The following is an entry in ClinVar:

ClinVar aggregate classification (germline): Pathogenic/Likely pathogenic. Review status: criteria provided, multiple submitters, no conflicts (2 of 4 stars). 2 submissions from 2 submitters: Pathogenic (1); Likely pathogenic (1). Last evaluated 2025-08-31.

Conditions:
Pituitary adenoma 5, multiple types. Identifiers: MedGen C4539685, MONDO:0054601, OMIM 617540.

Submissions (2):

Labcorp Genetics (formerly Invitae), Labcorp
Classification: Pathogenic. Last evaluated: 2025-08-31. Review status: criteria provided, single submitter. Criteria: Invitae Variant Classification Sherloc (09022015). Collection method: clinical testing. Allele origin: germline.
Comment: This sequence change creates a premature translational stop signal (p.Gln2733*) in the CDH23 gene. It is expected to result in an absent or disrupted protein product. Loss-of-function variants in CDH23 are known to be pathogenic (PMID: 11138009, 21940737). This variant is not present in population databases (gnomAD no frequency). This variant has not been reported in the literature in individuals affected with CDH23-related conditions. ClinVar contains an entry for this variant (Variation ID: 934378). For these reasons, this variant has been classified as Pathogenic.

Baylor Genetics
Classification: Likely pathogenic for Pituitary adenoma 5, multiple types. Last evaluated: 2022-01-22. Review status: criteria provided, single submitter. Criteria: ACMG Guidelines, 2015. Collection method: clinical testing. Allele origin: unknown.

Literature cited by the submitters: PubMed 11138009 (cited by Labcorp Genetics (formerly Invitae), Labcorp); PubMed 21940737 (cited by Labcorp Genetics (formerly Invitae), Labcorp).

NM_022124.6(CDH23):c.8197C>T (p.Gln2733Ter)

Gene: CDH23 (cadherin related 23; plus strand). Cytogenetic location: 10q22.1.
Variant type: single nucleotide variant.
Coding change: c.8197C>T on transcript NM_022124.6 (MANE Select); coding-DNA position 8197, C replaced by T.
Protein change: p.Gln2733Ter; replaces glutamine 2733 with a stop codon.
Molecular consequence: nonsense.
Genome position (GRCh38, 1-based): chr10:71,807,295, C>T. VCF-style: chr10-71807295-C-T. GRCh37 (hg19) VCF-style: chr10-73567052-C-T.
Other names: c.1477C>T, p.Gln493Ter (NM_001171933.1, NM_001171934.1); short protein forms Q2733*, Q493*.
Identifiers: ClinVar variation 934378 (VCV000934378.8), dbSNP rs1841758961, ClinGen allele CA377130812.